The following is an entry in ClinVar:

NM_015030.2(FRYL):c.5256C>G (p.Thr1752=)

Gene: FRYL (FRY like transcription coactivator; minus strand). Cytogenetic location: 4p11.
Variant type: single nucleotide variant.
Coding change: c.5256C>G on transcript NM_015030.2 (MANE Select); coding-DNA position 5256, C replaced by G.
Protein change: p.Thr1752=; no amino-acid change (threonine 1752 retained).
Molecular consequence: synonymous variant.
Genome position (GRCh38, 1-based): chr4:48,546,090, G>C on the plus strand (C>G on the coding strand, the complement: FRYL is on the minus strand). VCF-style: chr4-48546090-G-C. GRCh37 (hg19) VCF-style: chr4-48548107-G-C.
Identifiers: ClinVar variation 2654752 (VCV002654752.24), dbSNP rs199805371, ClinGen allele CA2914564.

ClinVar aggregate classification (germline): Likely benign (1 of 4 stars; one submission).

Allele frequency attached by ClinVar (database versions not stated): 1000 Genomes Project 0.00020; 1000 Genomes Project 30x 0.00031; gnomAD 0.00048; TOPMed 0.00059; ExAC 0.00085; ESP Exome Variant Server 0.00091.
gnomAD v4.1: 857 of 1,613,394 alleles (0.053%); highest among the groups gnomAD compares: Middle Eastern, 0.066%; 3 homozygotes.

Submission:

CeGaT Center for Human Genetics Tuebingen
Classification: Likely benign. Last evaluated: 2023-03-01. Review status: criteria provided, single submitter. Criteria: CeGaT Center For Human Genetics Tuebingen Variant Classification Criteria Version 2. Collection method: clinical testing. Allele origin: germline. Affected: yes. Observed: 1 variant allele.
Comment: FRYL: BP4, BP7